The following is an entry in ClinVar:

NM_006270.5(RRAS):c.145T>C (p.Phe49Leu)

Gene: RRAS (RAS related; minus strand). Cytogenetic location: 19q13.33.
Variant type: single nucleotide variant.
Coding change: c.145T>C on transcript NM_006270.5 (MANE Select); coding-DNA position 145, T replaced by C.
Protein change: p.Phe49Leu; replaces phenylalanine 49 with leucine.
Molecular consequence: missense variant.
Genome position (GRCh38, 1-based): chr19:49,639,954, A>G on the plus strand (T>C on the coding strand, the complement: RRAS is on the minus strand). VCF-style: chr19-49639954-A-G. GRCh37 (hg19) VCF-style: chr19-50143211-A-G.
Other names: short protein forms F49L.
Identifiers: ClinVar variation 527791 (VCV000527791.45), dbSNP rs151014532, ClinGen allele CA9579153.
Genomic context (GRCh38, chr19:49,639,954, plus strand): 5'-AGGGCTCAGTTCTGGGTCCCGGGGGACACCCTCCCGGGTGAGGGCCCACTACCTGGATGA[A>G]CTGGATGGTCAGCGCGCTCTTGCCCACGCCGCCGCCGCCCACGACCACCAGCTTGTGTGT-3'
Protein context (NP_006261.1, residues 39-59): GVGKSALTIQ[Phe49Leu]IQSYFVSDYD

ClinVar aggregate classification (germline): Benign/Likely benign. Review status: criteria provided, multiple submitters, no conflicts (2 of 4 stars). 8 submissions from 8 submitters: Benign (1); Likely benign (6). 1 of the submissions does not count toward it. Last evaluated 2026-06-04.

Conditions:
Noonan syndrome (NS). Also called: Noonan's syndrome. Identifiers: Orphanet 648, MedGen C0028326, MeSH D009634, MONDO:0018997. Disease mechanism: gain of function.
RRAS-related disorder. Also called: RRAS-related condition.

Allele frequency attached by ClinVar (database versions not stated): 1000 Genomes Project 0.00040; 1000 Genomes Project 30x 0.00047; gnomAD exomes 0.00071 and 0.00132; ESP Exome Variant Server 0.00077; TOPMed 0.00090; gnomAD 0.00107 and 0.00109; ExAC 0.00120.
gnomAD v4.1: 2,069 of 1,589,086 alleles (0.13%); highest among the groups gnomAD compares: South Asian, 0.16%; 3 homozygotes.

Submissions (8):

Women's Health and Genetics/Laboratory Corporation of America, LabCorp
Classification: Likely benign. Last evaluated: 2026-06-04. Review status: criteria provided, single submitter. Criteria: LabCorp Variant Classification Summary - May 2015. Collection method: clinical testing. Allele origin: germline.
Comment: Variant summary: RRAS c.145T>C (p.Phe49Leu) results in a non-conservative amino acid change located in the Small GTP-binding protein domain (IPR005225) of the encoded protein sequence. Algorithms developed to predict the effect of missense changes on protein structure and function are either unavailable or do not agree on the potential impact of this missense change. The variant allele was found at a frequency of 0.00071 in 214778 control chromosomes, predominantly at a frequency of 0.0011 within the Non-Finnish European subpopulation in the gnomAD database, including 1 homozygotes. The observed variant frequency within Non-Finnish European control individuals in the gnomAD database exceeds the estimated maximal expected allele frequency for disease-causing variants in RRAS. c.145T>C has been observed as heterozygous in an individual affected with gastric cancer without strong evidence of causality (Vogelaar_2017). These report(s) do not provide unequivocal conclusions about association of the variant with RRAS-related condition. To our knowledge, no experimental evidence demonstrating an impact on protein function has been reported. The following publication have been ascertained in the context of this evaluation (PMID: 28875981). ClinVar contains an entry for this variant (Variation ID: 527791). Based on the evidence outlined above, the variant was classified as likely benign.

CeGaT Center for Human Genetics Tuebingen
Classification: Likely benign. Last evaluated: 2026-02-01. Review status: criteria provided, single submitter. Criteria: CeGaT Center For Human Genetics Tuebingen Variant Classification Criteria Version 2. Collection method: clinical testing. Allele origin: germline. Affected: yes. Observed: 3 variant alleles.
Comment: RRAS: PP3, BS2

Labcorp Genetics (formerly Invitae), Labcorp
Classification: Likely benign for Noonan syndrome. Last evaluated: 2026-01-26. Review status: criteria provided, single submitter. Criteria: Invitae Variant Classification Sherloc (09022015). Collection method: clinical testing. Allele origin: germline.

Laboratory of Genetics, Children's Clinical University Hospital Latvia
Classification: Benign. Last evaluated: 2025-02-16. Review status: criteria provided, single submitter. Criteria: ACMG Guidelines, 2015. Collection method: clinical testing. Allele origin: germline. Affected: yes.

Blueprint Genetics
Classification: Likely benign. Last evaluated: 2024-10-25. Review status: criteria provided, single submitter. Criteria: ACMG Guidelines, 2015. Collection method: clinical testing. Allele origin: germline.

GeneDx
Classification: Likely benign. Last evaluated: 2020-07-06. Review status: criteria provided, single submitter. Criteria: GeneDx Variant Classification Process June 2021. Collection method: clinical testing. Allele origin: germline. Affected: yes.
Comment: This variant is associated with the following publications: (PMID: 28875981)

Breakthrough Genomics
Classification: Likely benign. Review status: criteria provided, single submitter. Criteria: ACMG Guidelines, 2015. Collection method: not provided. Allele origin: germline. Inheritance: Unknown mechanism. Affected: yes.

PreventionGenetics, part of Exact Sciences
Classification: Likely benign for RRAS-related condition. Last evaluated: 2019-08-05. Review status: no assertion criteria provided. Collection method: clinical testing. Allele origin: germline. Not counted in ClinVar's aggregate classification.
Comment: This variant is classified as likely benign based on ACMG/AMP sequence variant interpretation guidelines (Richards et al. 2015 PMID: 25741868, with internal and published modifications).

Literature cited by the submitters: PubMed 28875981 (cited by Women's Health and Genetics/Laboratory Corporation of America, LabCorp).